The following is an entry in ClinVar:

ClinVar aggregate classification (germline): Pathogenic (1 of 4 stars; one submission).

Submission:

ISCA site 4
Classification: Pathogenic. Last evaluated: 2011-08-12. Review status: criteria provided, single submitter. Criteria: Kaminsky et al. (Genet Med. 2011). Collection method: clinical testing. Allele origin: unknown. Affected: yes. Observed: 1 variant allele.
Comment: Copy number variation identified through the course of routine clinical cytogenomic testing in postnatal populations. Clinical assertions have been curated as described in Kaminsky et al. 2011.

GRCh38/hg38 6p25.3-25.1(chr6:163083-5875402)x1

Genes: BPHL (biphenyl hydrolase like; plus strand), C6orf201 (chromosome 6 open reading frame 201; plus strand), CDYL (chromodomain Y like; plus strand), CDYL-AS1 (CDYL antisense RNA 1; minus strand), DUSP22 (dual specificity phosphatase 22; plus strand) and 299 more. Cytogenetic location: 6p25.3-25.1.
Variant type: copy number loss.
Change: copy number 1 (one copy instead of two) of chr6:163,083-5,875,402 (5.71 Mb, GRCh38 coordinates, 1-based), cytogenetic band 6p25.3-25.1.
Identifiers: ClinVar variation 58407 (VCV000058407.2).